The following is an entry in ClinVar:

NM_000474.4(TWIST1):c.368C>A (p.Ser123Ter)

Gene: TWIST1 (twist family bHLH transcription factor 1; minus strand). Cytogenetic location: 7p21.1.
Variant type: single nucleotide variant.
Coding change: c.368C>A on transcript NM_000474.4 (MANE Select); coding-DNA position 368, C replaced by A.
Protein change: p.Ser123Ter; replaces serine 123 with a stop codon.
Molecular consequence: nonsense. On other transcripts: non-coding transcript variant (1).
Genome position (GRCh38, 1-based): chr7:19,116,954, G>T on the plus strand (C>A on the coding strand, the complement: TWIST1 is on the minus strand). VCF-style: chr7-19116954-G-T. GRCh37 (hg19) VCF-style: chr7-19156577-G-T.
Other names: S127*; c.368C>A (NM_000474.3); short protein forms S123*.
Identifiers: ClinVar variation 7976 (VCV000007976.14), dbSNP rs121909187, ClinGen allele CA254287.

ClinVar aggregate classification (germline): Pathogenic. Review status: criteria provided, multiple submitters, no conflicts (2 of 4 stars). 6 submissions from 6 submitters: Pathogenic (3). 3 of the submissions do not count toward it. Last evaluated 2026-08-06.

Conditions:
Sweeney-Cox syndrome. Identifiers: MedGen C4540299, MONDO:0060592, OMIM 617746.
TWIST1-related craniosynostosis (CRS1). Also called: CRANIOSYNOSTOSIS 1. Identifiers: Orphanet 63440, MedGen C4551902, MONDO:0007399, OMIM 123100. Inheritance: Heterogenous inheritance pattern.
Saethre-Chotzen syndrome (SCS). Also called: CHOTZEN SYNDROME; ACROCEPHALY, SKULL ASYMMETRY, AND MILD SYNDACTYLY; ACS III. Identifiers: Orphanet 794, MedGen C0175699, MONDO:0007042, OMIM 101400.

gnomAD v4.1: 1 of 1,613,602 alleles (0.000062%); highest among the groups gnomAD compares: Non-Finnish European, 0.000085%; no homozygotes.

Submissions (6):

OLLIN Analises Genomicas, OLLIN
Classification: Pathogenic for Sweeney-Cox syndrome. Last evaluated: 2026-08-06. Review status: criteria provided, single submitter. Criteria: ACMG Guidelines 2015 PMID 25741868. Collection method: clinical testing. Allele origin: germline.
Comment: This nonsense variant, located in exon 1 (of 2), has been reported in ClinVar (accession VCV000007976.12), in gnomAD with an allele frequency of 0.000062%, and in the scientific literature in individuals with TWIST1 related disorders (PMID: 16251895, 25271085). This variant introduces a premature stop codon, which is predicted to result in either a truncated protein or degradation of the mRNA via nonsense-mediated decay (NMD). According to the currently available evidence, this variant has been classified as pathogenic (PVS1, PS4_P, PM2_P).

GeneDx
Classification: Pathogenic. Last evaluated: 2026-03-10. Review status: criteria provided, single submitter. Criteria: GeneDx Variant Classification Process June 2021. Collection method: clinical testing. Allele origin: germline.
Comment: Not observed at significant frequency in large population cohorts (gnomAD); Nonsense variant predicted to result in protein truncation, as the last 80 amino acid(s) are lost, and other loss-of-function variants have been reported downstream in HGMD; This variant is associated with the following publications: (PMID: 25271085, 35591945, 8988167)

Labcorp Genetics (formerly Invitae), Labcorp
Classification: Pathogenic for TWIST1-related craniosynostosis; Saethre-Chotzen syndrome. Last evaluated: 2021-04-29. Review status: criteria provided, single submitter. Criteria: Invitae Variant Classification Sherloc (09022015). Collection method: clinical testing. Allele origin: germline.
Comment: This sequence change creates a premature translational stop signal (p.Ser123*) in the TWIST1 gene. It is expected to result in an absent or disrupted protein product. Loss-of-function variants in TWIST1 are known to be pathogenic (PMID: 10749989). For these reasons, this variant has been classified as Pathogenic. This variant has been observed in individual(s) with Saethre-Chotzen syndrome (PMID: 8988167). The variant is also known as p.S127Ter. ClinVar contains an entry for this variant (Variation ID: 7976). This variant is not present in population databases (ExAC no frequency).

OMIM
Classification: Pathogenic for SAETHRE-CHOTZEN SYNDROME. Last evaluated: 2017-10-26. Review status: no assertion criteria provided. Collection method: literature only. Allele origin: germline. Not counted in ClinVar's aggregate classification.

Clinical Genetics DNA and cytogenetics Diagnostics Lab, Erasmus MC, Erasmus Medical Center
Classification: Pathogenic. Review status: no assertion criteria provided. Collection method: clinical testing. Allele origin: germline. Affected: yes. Study: VKGL Data-share Consensus. Not counted in ClinVar's aggregate classification.

Joint Genome Diagnostic Labs from Nijmegen and Maastricht, Radboudumc and MUMC+
Classification: Pathogenic. Review status: no assertion criteria provided. Collection method: clinical testing. Allele origin: germline. Affected: yes. Study: VKGL Data-share Consensus. Not counted in ClinVar's aggregate classification.

Literature cited by the submitters: PubMed 16251895 (cited by OLLIN Analises Genomicas, OLLIN); PubMed 25271085 (cited by OLLIN Analises Genomicas, OLLIN); PubMed 10749989 (cited by Labcorp Genetics (formerly Invitae), Labcorp); PubMed 8988167 (cited by Labcorp Genetics (formerly Invitae), Labcorp); PubMed 11248247 (cited by OMIM).